The following is an entry in ClinVar:

NM_002382.5(MAX):c.25G>T (p.Val9Leu)

Genes: MAX (MYC associated transcriptional regulator X; minus strand), LOC130055850 (ATAC-STARR-seq lymphoblastoid silent region 5847; plus strand). Cytogenetic location: 14q23.3.
Variant type: single nucleotide variant.
Coding change: c.25G>T on transcript NM_002382.5 (MANE Select); coding-DNA position 25, G replaced by T.
Protein change: p.Val9Leu; replaces valine 9 with leucine.
Molecular consequence: missense variant. On other transcripts: 5 prime UTR variant (1).
Genome position (GRCh38, 1-based): chr14:65,102,315, C>A on the plus strand (G>T on the coding strand, the complement: MAX is on the minus strand). VCF-style: chr14-65102315-C-A. GRCh37 (hg19) VCF-style: chr14-65569033-C-A.
Other names: c.25G>T, p.Val9Leu (NM_001271068.2, NM_001271069.2, NM_145112.3 and 3 more transcripts); c.-250G>T (NM_001320415.2); short protein forms V9L.
Identifiers: ClinVar variation 313819 (VCV000313819.31), dbSNP rs201743423, ClinGen allele CA7233036.

ClinVar aggregate classification (germline): Conflicting classifications of pathogenicity. Review status: criteria provided, conflicting classifications (1 of 4 stars). 10 submissions from 10 submitters: Uncertain significance (9); Likely benign (1). Last evaluated 2026-06-05.

Conditions:
Pheochromocytoma. Also called: MAX-Related Hereditary Paraganglioma-Pheochromocytoma Syndrome. Identifiers: Orphanet 29072, MedGen C0031511, MONDO:0008233, OMIM 171300, HP:0002666.
MAX-related disorder. Also called: MAX-related condition.
Hereditary cancer-predisposing syndrome. Also called: Hereditary Cancer Syndrome; Neoplastic Syndromes, Hereditary; Tumor predisposition; Hereditary neoplastic syndrome. Identifiers: Orphanet 140162, MedGen C0027672, MeSH D009386, MONDO:0015356.
Hereditary pheochromocytoma and paraganglioma. Also called: Hereditary pheochromocytoma-paraganglioma; Hereditary Paraganglioma-Pheochromocytoma Syndromes; Hereditary paragangliomas and pheochromocytomas. Identifiers: Orphanet 29072, MedGen C4274332, MONDO:0017366.

Allele frequency attached by ClinVar (database versions not stated): TOPMed 0.00003; gnomAD exomes 0.00005 and 0.00009; gnomAD 0.00007; ExAC 0.00009.
gnomAD v4.1: 80 of 1,613,778 alleles (0.005%); highest among the groups gnomAD compares: Non-Finnish European, 0.0049%; no homozygotes.

Submissions (10):

Myriad Genetics, Inc.
Classification: Likely benign for Pheochromocytoma. Last evaluated: 2026-06-05. Review status: criteria provided, single submitter. Criteria: Myriad Autosomal Dominant, Autosomal Recessive and X-Linked Classification Criteria (2023). Collection method: clinical testing. Allele origin: unknown.
Comment: This variant is considered likely benign. This variant has been observed at a population frequency that is significantly greater than expected given the associated disease prevalence and penetrance.

PreventionGenetics, part of Exact Sciences
Classification: Uncertain significance for MAX-related condition. Last evaluated: 2026-05-12. Review status: criteria provided, single submitter. Criteria: ACMG Guidelines, 2015. Collection method: clinical testing. Allele origin: germline.
Comment: The MAX c.25G>T variant is predicted to result in the amino acid substitution p.Val9Leu. This variant was reported in individuals with paraganglioma and/or pheochromocytoma (Burnichon et al. 2012. PubMed ID: 22452945; Table S1, Menara et al. 2015. PubMed ID: 25405498). This variant was also reported in an individual with the co-occurrence of thyroid and breast cancer; however, this individual also carried other variants in additional cancer-related genes (Bakos et al. 2021. PubMed ID: 34130653). Functional studies showed that this variant reduces the transcription repression activity (Comino-Méndez et al. 2015. PubMed ID: 26070438). This variant is reported in 0.048% of alleles in individuals of European (Finnish) descent in gnomAD and is interpreted as uncertain significance in ClinVar (Variation ID: 313819). At this time, the clinical significance of this variant is uncertain due to the absence of conclusive functional and genetic evidence.

Labcorp Genetics (formerly Invitae), Labcorp
Classification: Uncertain significance for Hereditary pheochromocytoma and paraganglioma. Last evaluated: 2025-12-24. Review status: criteria provided, single submitter. Criteria: Invitae Variant Classification Sherloc (09022015). Collection method: clinical testing. Allele origin: germline.
Comment: This sequence change replaces valine, which is neutral and non-polar, with leucine, which is neutral and non-polar, at codon 9 of the MAX protein (p.Val9Leu). This variant is present in population databases (rs201743423, gnomAD 0.05%). This missense change has been observed in individual(s) with adrenal pheochromocytoma and thoracoabdominal paraganglioma (PMID: 22452945). ClinVar contains an entry for this variant (Variation ID: 313819). Invitae Evidence Modeling incorporating data from in vitro experimental studies (internal data) indicates that this missense variant is not expected to disrupt MAX function with a negative predictive value of 95%. Experimental studies have shown that this missense change affects MAX function (PMID: 26070438). In summary, the available evidence is currently insufficient to determine the role of this variant in disease. Therefore, it has been classified as a Variant of Uncertain Significance.

Ambry Genetics
Classification: Uncertain significance for Hereditary cancer-predisposing syndrome. Last evaluated: 2025-07-23. Review status: criteria provided, single submitter. Criteria: Ambry Variant Classification Scheme 2023. Collection method: clinical testing. Allele origin: germline.
Comment: The p.V9L variant (also known as c.25G>T), located in coding exon 1 of the MAX gene, results from a G to T substitution at nucleotide position 25. The valine at codon 9 is replaced by leucine, an amino acid with highly similar properties. This alteration was also detected in a cohort of patients with co-occurring breast and thyroid cancer (Bakos B et al. BMC Cancer, 2021 Jun;21:706). Additionally, in a luciferase reporter assay, this alteration was found to have a minor impact on MYC&rsquo;s E-box transcriptional activation (Comino-M&eacute;ndez I et al. J. Mol. Med. 2015 Nov; 93(11):1247-55). This amino acid position is highly conserved in available vertebrate species. In addition, the in silico prediction for this alteration is inconclusive. Since supporting evidence is limited at this time, the clinical significance of this alteration remains unclear.

GeneDx
Classification: Uncertain significance. Last evaluated: 2024-06-27. Review status: criteria provided, single submitter. Criteria: GeneDx Variant Classification Process June 2021. Collection method: clinical testing. Allele origin: germline. Affected: yes.
Comment: Observed in an individual with bilateral pheochromocytoma, in another individual with both a paraganglioma and a pheochromocytoma in which loss of heterozygosity (LOH) was not detected and in a third individual with thyroid and breast cancer who also carried a deleterious MSH6 variant (PMID: 22452945, 25405498, 34130653); Published functional studies demonstrate inability to fully repress MYC activity compared to wildtype (PMID: 26070438); In silico analysis indicates that this missense variant does not alter protein structure/function; This variant is associated with the following publications: (PMID: 22452945, 25405498, 34426522, 34130653, 26070438)

Baylor Genetics
Classification: Uncertain significance for Pheochromocytoma. Last evaluated: 2024-03-14. Review status: criteria provided, single submitter. Criteria: ACMG Guidelines, 2015. Collection method: clinical testing. Allele origin: unknown.

Institute for Clinical Genetics, University Hospital TU Dresden, University Hospital TU Dresden
Classification: Uncertain significance. Last evaluated: 2021-11-03. Review status: criteria provided, single submitter. Criteria: ACMG Guidelines, 2015. Collection method: clinical testing. Allele origin: germline.

Fulgent Genetics
Classification: Uncertain significance for Pheochromocytoma. Last evaluated: 2018-10-31. Review status: criteria provided, single submitter. Criteria: ACMG Guidelines, 2015. Collection method: clinical testing. Allele origin: unknown.

Illumina Laboratory Services, Illumina
Classification: Uncertain significance for Pheochromocytoma. Last evaluated: 2018-01-13. Review status: criteria provided, single submitter. Criteria: ICSL Variant Classification Criteria 13 December 2019. Collection method: clinical testing. Allele origin: germline.

Genetic Services Laboratory, University of Chicago
Classification: Uncertain significance. Last evaluated: 2017-07-13. Review status: criteria provided, single submitter. Criteria: ACMG Guidelines, 2015. Collection method: clinical testing. Allele origin: germline. Affected: no.

Literature cited by the submitters: PubMed 22452945 (cited by Labcorp Genetics (formerly Invitae), Labcorp and Ambry Genetics); PubMed 26070438 (cited by Labcorp Genetics (formerly Invitae), Labcorp and Ambry Genetics); PubMed 34130653 (cited by Ambry Genetics).